The following is an entry in ClinVar:

ClinVar aggregate classification (germline): Likely benign (0 of 4 stars; one submission).

Conditions:
ERGIC1-related disorder. Also called: ERGIC1-related condition.

Allele frequency attached by ClinVar (database versions not stated): ExAC 0.00001; gnomAD 0.00002; TOPMed 0.00002.

Submission:

PreventionGenetics, part of Exact Sciences
Classification: Likely benign for ERGIC1-related condition. Last evaluated: 2019-09-17. Review status: no assertion criteria provided. Collection method: clinical testing. Allele origin: germline.
Comment: This variant is classified as likely benign based on ACMG/AMP sequence variant interpretation guidelines (Richards et al. 2015 PMID: 25741868, with internal and published modifications).

NM_001031711.3(ERGIC1):c.513C>T (p.Leu171=)

Gene: ERGIC1 (endoplasmic reticulum-golgi intermediate compartment 1; plus strand). Cytogenetic location: 5q35.1.
Variant type: single nucleotide variant.
Coding change: c.513C>T on transcript NM_001031711.3 (MANE Select); coding-DNA position 513, C replaced by T.
Protein change: p.Leu171=; no amino-acid change (leucine 171 retained).
Molecular consequence: synonymous variant.
Genome position (GRCh38, 1-based): chr5:172,926,541, C>T. VCF-style: chr5-172926541-C-T. GRCh37 (hg19) VCF-style: chr5-172353544-C-T.
Identifiers: ClinVar variation 3040866 (VCV003040866.2), dbSNP rs766175287, ClinGen allele CA3562388.